The following is an entry in ClinVar:

NM_004006.3(DMD):c.3161A>G (p.Gln1054Arg)

Gene: DMD (dystrophin; minus strand). Cytogenetic location: Xp21.1.
Variant type: single nucleotide variant.
Coding change: c.3161A>G on transcript NM_004006.3 (MANE Select); coding-DNA position 3161, A replaced by G.
Protein change: p.Gln1054Arg; replaces glutamine 1054 with arginine.
Molecular consequence: missense variant.
Genome position (GRCh38, 1-based): chrX:32,468,499, T>C on the plus strand (A>G on the coding strand, the complement: DMD is on the minus strand). VCF-style: chrX-32468499-T-C. GRCh37 (hg19) VCF-style: chrX-32486616-T-C.
Other names: c.3137A>G, p.Gln1046Arg (NM_000109.4); c.3149A>G, p.Gln1050Arg (NM_004009.3); c.2792A>G, p.Gln931Arg (NM_004010.3); short protein forms Q931R, Q1046R, Q1054R, Q1050R.
Identifiers: ClinVar variation 2822539 (VCV002822539.4), dbSNP rs2524610385, ClinGen allele CA412666732.
Genomic context (GRCh38, chrX:32,468,499, plus strand): 5'-ATCGTTAGGGAAAAAACAAGTAAATAAAAATGAGGGTAGAAAGTAAAATCTTGAATTACC[T>C]GAATTTTTCGGAGTTTATTCATTTGCTCCTCTAGCTTTTGACAATGCTCAACCAGCTGGG-3'
Protein context (NP_003997.2, residues 1044-1064): EEQMNKLRKI[Gln1054Arg]NHIQTLKKWM

ClinVar aggregate classification (germline): Uncertain significance. Review status: criteria provided, single submitter (1 of 4 stars). 2 submissions from 2 submitters: Uncertain significance (1). 1 of the submissions does not count toward it. Last evaluated 2023-05-10.

Conditions:
Duchenne muscular dystrophy (DMD). Also called: MUSCULAR DYSTROPHY, PSEUDOHYPERTROPHIC PROGRESSIVE, DUCHENNE TYPE; Duchenne Muscular Dystrophy (DMD). Identifiers: Orphanet 98896, MedGen C0013264, MONDO:0010679, OMIM 310200.
Becker muscular dystrophy, Cardiomyopathy, Duchenne muscular dystrophy, Dystrophin deficiency.

Submissions (2):

Labcorp Genetics (formerly Invitae), Labcorp
Classification: Uncertain significance for Duchenne muscular dystrophy. Last evaluated: 2023-05-10. Review status: criteria provided, single submitter. Criteria: Invitae Variant Classification Sherloc (09022015). Collection method: clinical testing. Allele origin: germline.
Comment: In summary, the available evidence is currently insufficient to determine the role of this variant in disease. Therefore, it has been classified as a Variant of Uncertain Significance. An algorithm developed to predict the effect of missense changes on protein structure and function (PolyPhen-2) suggests that this variant is likely to be disruptive. This variant has not been reported in the literature in individuals affected with DMD-related conditions. This variant is not present in population databases (gnomAD no frequency). This sequence change replaces glutamine, which is neutral and polar, with arginine, which is basic and polar, at codon 1054 of the DMD protein (p.Gln1054Arg).

Natera, Inc.
Classification: Uncertain significance for Becker muscular dystrophy, Cardiomyopathy, Duchenne muscular dystrophy, Dystrophin deficiency. Last evaluated: 2025-01-15. Review status: no assertion criteria provided. Collection method: clinical testing. Allele origin: germline. Not counted in ClinVar's aggregate classification.